The following is an entry in ClinVar:

NM_000219.6(KCNE1):c.83C>A (p.Ser28Ter)

Gene: KCNE1 (potassium voltage-gated channel subfamily E regulatory subunit 1; minus strand). Cytogenetic location: 21q22.12.
Variant type: single nucleotide variant.
Coding change: c.83C>A on transcript NM_000219.6 (MANE Select); coding-DNA position 83, C replaced by A.
Protein change: p.Ser28Ter; replaces serine 28 with a stop codon.
Molecular consequence: nonsense.
Genome position (GRCh38, 1-based): chr21:34,449,552, G>T on the plus strand (C>A on the coding strand, the complement: KCNE1 is on the minus strand). VCF-style: chr21-34449552-G-T. GRCh37 (hg19) VCF-style: chr21-35821850-G-T.
Other names: c.83C>A, p.Ser28Ter (NM_001127668.4, NM_001127669.4, NM_001127670.4 and 4 more transcripts); short protein forms S28*.
Identifiers: ClinVar variation 3374001 (VCV003374001.2).

Conditions:
Long QT syndrome 5 (LQT5). Identifiers: Orphanet 101016, Orphanet 768, MedGen C1867904, MONDO:0013372, OMIM 613695.

Submission:

Roden Lab, Vanderbilt University Medical Center
No classification provided (evidence only). Condition: Long QT syndrome 5. Review status: no classification provided. Collection method: in vitro. Allele origin: not applicable. Functional consequence: Effect on ion channel function.
ClinVar note: "not provided" was previously submitted as the classification for the variant. However, the classification appeared to be based only on an observation of functional data so it was converted to no classification on 2025-07-30.